The following is an entry in ClinVar:

NM_015896.4(ZMYND10):c.550G>A (p.Ala184Thr)

Gene: ZMYND10 (zinc finger MYND-type containing 10; minus strand). Cytogenetic location: 3p21.31.
Variant type: single nucleotide variant.
Coding change: c.550G>A on transcript NM_015896.4 (MANE Select); coding-DNA position 550, G replaced by A.
Protein change: p.Ala184Thr; replaces alanine 184 with threonine.
Molecular consequence: missense variant.
Genome position (GRCh38, 1-based): chr3:50,343,167, C>T on the plus strand (G>A on the coding strand, the complement: ZMYND10 is on the minus strand). VCF-style: chr3-50343167-C-T. GRCh37 (hg19) VCF-style: chr3-50380598-C-T.
Other names: c.550G>A, p.Ala184Thr (NM_001308379.2); short protein forms A184T.
Identifiers: ClinVar variation 1047754 (VCV001047754.5), dbSNP rs771849995, ClinGen allele CA2417172.

ClinVar aggregate classification (germline): Uncertain significance (1 of 4 stars; one submission).

Conditions:
Primary ciliary dyskinesia. Also called: Ciliary dyskinesia. Identifiers: Orphanet 244, MedGen C0008780, MONDO:0016575, HP:0012265.

Allele frequency attached by ClinVar (database versions not stated): gnomAD 0.00001; TOPMed 0.00001; ExAC 0.00002; gnomAD exomes 0.00002.
gnomAD v4.1: 28 of 1,614,128 alleles (0.0017%); highest among the groups gnomAD compares: Non-Finnish European, 0.0023%; no homozygotes.

Submission:

Labcorp Genetics (formerly Invitae), Labcorp
Classification: Uncertain significance for Primary ciliary dyskinesia. Last evaluated: 2021-12-22. Review status: criteria provided, single submitter. Criteria: Invitae Variant Classification Sherloc (09022015). Collection method: clinical testing. Allele origin: germline.
Comment: This variant is present in population databases (rs771849995, gnomAD 0.004%). This sequence change replaces alanine, which is neutral and non-polar, with threonine, which is neutral and polar, at codon 184 of the ZMYND10 protein (p.Ala184Thr). This variant has not been reported in the literature in individuals affected with ZMYND10-related conditions. ClinVar contains an entry for this variant (Variation ID: 1047754). Algorithms developed to predict the effect of missense changes on protein structure and function output the following: SIFT: "Tolerated"; PolyPhen-2: "Benign"; Align-GVGD: "Class C0". The threonine amino acid residue is found in multiple mammalian species, which suggests that this missense change does not adversely affect protein function. In summary, the available evidence is currently insufficient to determine the role of this variant in disease. Therefore, it has been classified as a Variant of Uncertain Significance.